The following is an entry in ClinVar:

ClinVar aggregate classification (germline): Uncertain significance. Review status: criteria provided, multiple submitters, no conflicts (2 of 4 stars). 7 submissions from 7 submitters: Uncertain significance (6). 1 of the submissions does not count toward it. Last evaluated 2024-05-30.

Conditions:
Inborn genetic diseases. Identifiers: MedGen C0950123, MeSH D030342.
Autosomal recessive nonsyndromic hearing loss 77. Identifiers: Orphanet 90636, MedGen C2746083, MONDO:0013119, OMIM 613079.

Allele frequency attached by ClinVar (database versions not stated): gnomAD exomes 0.00002 and 0.00005; gnomAD 0.00003; TOPMed 0.00004; ExAC 0.00009.
gnomAD v4.1: 38 of 1,551,976 alleles (0.0024%); highest among the groups gnomAD compares: Admixed American, 0.0039%; no homozygotes.

Submissions (7):

Ambry Genetics
Classification: Uncertain significance for Inborn genetic diseases. Last evaluated: 2024-05-30. Review status: criteria provided, single submitter. Criteria: Ambry Variant Classification Scheme 2023. Collection method: clinical testing. Allele origin: germline.

GeneDx
Classification: Uncertain significance. Last evaluated: 2023-10-04. Review status: criteria provided, single submitter. Criteria: GeneDx Variant Classification Process June 2021. Collection method: clinical testing. Allele origin: germline. Affected: yes.
Comment: In silico analysis supports that this missense variant does not alter protein structure/function; Has not been previously published as pathogenic or benign to our knowledge

Labcorp Genetics (formerly Invitae), Labcorp
Classification: Uncertain significance. Last evaluated: 2022-09-21. Review status: criteria provided, single submitter. Criteria: Invitae Variant Classification Sherloc (09022015). Collection method: clinical testing. Allele origin: germline.
Comment: This sequence change replaces isoleucine, which is neutral and non-polar, with methionine, which is neutral and non-polar, at codon 535 of the LOXHD1 protein (p.Ile535Met). This variant is present in population databases (rs770710016, gnomAD 0.01%). This variant has not been reported in the literature in individuals affected with LOXHD1-related conditions. ClinVar contains an entry for this variant (Variation ID: 811044). Algorithms developed to predict the effect of missense changes on protein structure and function are either unavailable or do not agree on the potential impact of this missense change (SIFT: "Deleterious"; PolyPhen-2: "Benign"; Align-GVGD: "Class C0"). Algorithms developed to predict the effect of sequence changes on RNA splicing suggest that this variant may create or strengthen a splice site. In summary, the available evidence is currently insufficient to determine the role of this variant in disease. Therefore, it has been classified as a Variant of Uncertain Significance.

Fulgent Genetics
Classification: Uncertain significance for Autosomal recessive nonsyndromic hearing loss 77. Last evaluated: 2021-07-28. Review status: criteria provided, single submitter. Criteria: ACMG Guidelines, 2015. Collection method: clinical testing. Allele origin: unknown.

Athena Diagnostics
Classification: Uncertain significance. Last evaluated: 2019-12-02. Review status: criteria provided, single submitter. Criteria: Athena Diagnostics Criteria. Collection method: clinical testing. Allele origin: unknown.

ARUP Laboratories, Molecular Genetics and Genomics, ARUP Laboratories
Classification: Uncertain significance for Autosomal recessive nonsyndromic hearing loss 77. Last evaluated: 2019-09-16. Review status: criteria provided, single submitter. Criteria: ARUP Molecular Germline Variant Investigation Process. Collection method: clinical testing. Allele origin: germline.
Comment: The LOXHD1 c.1605A>G p.Ile535Met variant (rs770710016), to our knowledge, has not been reported in the medical literature or gene specific databases. This variant is found in the general population with an allele frequency in non-Finnish Europeans of 0.01% (9/77,580 alleles) in the Genome Aggregation Database. The isoleucine at codon 535 is moderately conserved (Alamut v.2.11) and computational analyses (SIFT, PolyPhen-2) predict that this variant is deleterious. Based on the available information, the clinical significance of this variant is uncertain.

Natera, Inc.
Classification: Uncertain significance for Autosomal recessive deafness type 77. Last evaluated: 2020-03-04. Review status: no assertion criteria provided. Collection method: clinical testing. Allele origin: germline. Not counted in ClinVar's aggregate classification.

NM_001384474.1(LOXHD1):c.1605A>G (p.Ile535Met)

Gene: LOXHD1 (lipoxygenase homology PLAT domains 1; minus strand). Cytogenetic location: 18q21.1.
Variant type: single nucleotide variant.
Coding change: c.1605A>G on transcript NM_001384474.1 (MANE Select); coding-DNA position 1605, A replaced by G.
Protein change: p.Ile535Met; replaces isoleucine 535 with methionine.
Molecular consequence: missense variant.
Genome position (GRCh38, 1-based): chr18:46,591,982, T>C on the plus strand (A>G on the coding strand, the complement: LOXHD1 is on the minus strand). VCF-style: chr18-46591982-T-C. GRCh37 (hg19) VCF-style: chr18-44171945-T-C.
Other names: c.-33084A>G (NM_001145472.3); c.1605A>G, p.Ile535Met (NM_144612.7); short protein forms I535M.
Identifiers: ClinVar variation 811044 (VCV000811044.18), dbSNP rs770710016, ClinGen allele CA8952780.